The following is an entry in ClinVar:

ClinVar aggregate classification (germline): Uncertain significance. Review status: criteria provided, multiple submitters, no conflicts (2 of 4 stars). 2 submissions from 2 submitters: Uncertain significance (2). Last evaluated 2025-04-07.

Conditions:
Cardiovascular phenotype. Identifiers: MedGen CN230736.

Allele frequency attached by ClinVar (database versions not stated): gnomAD exomes below 0.00001.

Submissions (2):

Ambry Genetics
Classification: Uncertain significance for Cardiovascular phenotype. Last evaluated: 2025-04-07. Review status: criteria provided, single submitter. Criteria: Ambry Variant Classification Scheme 2023. Collection method: clinical testing. Allele origin: germline.
Comment: The p.P853S variant (also known as c.2557C>T), located in coding exon 17 of the ABCA1 gene, results from a C to T substitution at nucleotide position 2557. The proline at codon 853 is replaced by serine, an amino acid with similar properties. This amino acid position is conserved. In addition, the in silico prediction for this alteration is inconclusive. Based on the available evidence, the clinical significance of this variant remains unclear.

Labcorp Genetics (formerly Invitae), Labcorp
Classification: Uncertain significance. Last evaluated: 2025-02-24. Review status: criteria provided, single submitter. Criteria: Invitae Variant Classification Sherloc (09022015). Collection method: clinical testing. Allele origin: germline.
Comment: This sequence change replaces proline, which is neutral and non-polar, with serine, which is neutral and polar, at codon 853 of the ABCA1 protein (p.Pro853Ser). This variant is present in population databases (no rsID available, gnomAD 0.003%). This variant has not been reported in the literature in individuals affected with ABCA1-related conditions. ClinVar contains an entry for this variant (Variation ID: 1500815). Invitae Evidence Modeling of protein sequence and biophysical properties (such as structural, functional, and spatial information, amino acid conservation, physicochemical variation, residue mobility, and thermodynamic stability) indicates that this missense variant is not expected to disrupt ABCA1 protein function with a negative predictive value of 95%. In summary, the available evidence is currently insufficient to determine the role of this variant in disease. Therefore, it has been classified as a Variant of Uncertain Significance.

NM_005502.4(ABCA1):c.2557C>T (p.Pro853Ser)

Gene: ABCA1 (ATP binding cassette subfamily A member 1; minus strand). Cytogenetic location: 9q31.1.
Variant type: single nucleotide variant.
Coding change: c.2557C>T on transcript NM_005502.4 (MANE Select); coding-DNA position 2557, C replaced by T.
Protein change: p.Pro853Ser; replaces proline 853 with serine.
Molecular consequence: missense variant.
Genome position (GRCh38, 1-based): chr9:104,824,564, G>A on the plus strand (C>T on the coding strand, the complement: ABCA1 is on the minus strand). VCF-style: chr9-104824564-G-A. GRCh37 (hg19) VCF-style: chr9-107586845-G-A.
Other names: c.2557C>T (NM_005502.3); short protein forms P853S.
Identifiers: ClinVar variation 1500815 (VCV001500815.9), dbSNP rs1159795276, ClinGen allele CA374320721.